The following is an entry in ClinVar:

ClinVar aggregate classification (germline): Uncertain significance (1 of 4 stars; one submission).

Conditions:
Neuropathy, hereditary sensory, type 2C. Also called: KIF1A-Related HSAN2 (HSAN2C); Hereditary sensory and autonomic neuropathy type IIC. Identifiers: Orphanet 970, MedGen C3280168, MONDO:0013634, OMIM 614213.
Hereditary spastic paraplegia 30. Identifiers: Orphanet 101010, MedGen C5235139, MONDO:0012476.
Intellectual disability, autosomal dominant 9 (NESCAVS). Also called: NESCAV SYNDROME; KIF1A-Related Neurodevelopmental Disorder. Identifiers: Orphanet 662367, MedGen C5393830, MONDO:0013656, OMIM 614255.

Allele frequency attached by ClinVar (database versions not stated): gnomAD exomes 0.00001.
gnomAD v4.1: 9 of 1,612,818 alleles (0.00056%); highest among the groups gnomAD compares: Middle Eastern, 0.017%; no homozygotes.

Submission:

Labcorp Genetics (formerly Invitae), Labcorp
Classification: Uncertain significance for Hereditary spastic paraplegia 30; Neuropathy, hereditary sensory, type 2C; Intellectual disability, autosomal dominant 9. Last evaluated: 2023-12-21. Review status: criteria provided, single submitter. Criteria: Invitae Variant Classification Sherloc (09022015). Collection method: clinical testing. Allele origin: germline.
Comment: This sequence change replaces arginine, which is basic and polar, with histidine, which is basic and polar, at codon 423 of the KIF1A protein (p.Arg423His). This variant is present in population databases (no rsID available, gnomAD 0.005%). This variant has not been reported in the literature in individuals affected with KIF1A-related conditions. Advanced modeling of protein sequence and biophysical properties (such as structural, functional, and spatial information, amino acid conservation, physicochemical variation, residue mobility, and thermodynamic stability) performed at Invitae indicates that this missense variant is expected to disrupt KIF1A protein function with a positive predictive value of 95%. In summary, the available evidence is currently insufficient to determine the role of this variant in disease. Therefore, it has been classified as a Variant of Uncertain Significance.

NM_001244008.2(KIF1A):c.1295G>A (p.Arg432His)

Gene: KIF1A (kinesin family member 1A; minus strand). Cytogenetic location: 2q37.3.
Variant type: single nucleotide variant.
Coding change: c.1295G>A on transcript NM_001244008.2 (MANE Select); coding-DNA position 1295, G replaced by A.
Protein change: p.Arg432His; replaces arginine 432 with histidine.
Molecular consequence: missense variant.
Genome position (GRCh38, 1-based): chr2:240,771,017, C>T on the plus strand (G>A on the coding strand, the complement: KIF1A is on the minus strand). VCF-style: chr2-240771017-C-T. GRCh37 (hg19) VCF-style: chr2-241710434-C-T.
Other names: c.1295G>A, p.Arg432His (NM_001320705.2, NM_001330289.2, NM_001379638.1); c.1370G>A, p.Arg457His (NM_001330290.2, NM_001379631.1, NM_001379634.1 and 2 more transcripts); c.1268G>A, p.Arg423His (NM_001379632.1, NM_001379633.1, NM_001379636.1 and 11 more transcripts); c.1343G>A, p.Arg448His (NM_001379637.1, NM_001379648.1); short protein forms R423H, R432H, R448H, R457H.
Identifiers: ClinVar variation 2936036 (VCV002936036.3), dbSNP rs1246106005, ClinGen allele CA351330498.